The following is an entry in ClinVar:

ClinVar aggregate classification (germline): Uncertain significance (1 of 4 stars; one submission).

Submission:

GeneDx
Classification: Uncertain significance. Last evaluated: 2023-05-22. Review status: criteria provided, single submitter. Criteria: GeneDx Variant Classification Process June 2021. Collection method: clinical testing. Allele origin: germline. Affected: yes.
Comment: Not observed at significant frequency in large population cohorts (gnomAD); In silico analysis supports that this variant does not alter protein structure/function; Has not been previously published as pathogenic or benign to our knowledge; This variant is associated with the following publications: (PMID: 18199528)

NM_000038.6(APC):c.5465_5466delinsAT (p.Val1822Asp)

Gene: APC (APC regulator of WNT signaling pathway; plus strand). Cytogenetic location: 5q22.2.
Variant type: Indel.
Coding change: c.5465_5466delinsAT on transcript NM_000038.6 (MANE Select); coding-DNA positions 5465 to 5466, TC replaced by AT.
Protein change: p.Val1822Asp; replaces valine 1822 with aspartic acid.
Molecular consequence: missense variant. On other transcripts: non-coding transcript variant (2).
Genome position (GRCh38, 1-based): chr5:112,841,059-112,841,060, TC replaced by AT. VCF-style: chr5-112841059-TC-AT. GRCh37 (hg19) VCF-style: chr5-112176756-TC-AT.
Other names: c.5288_5289delinsAT, p.Val1763Asp (NM_001354901.2, NM_001407453.1); c.5192_5193delinsAT, p.Val1731Asp (NM_001354902.2); c.5216_5217delinsAT, p.Val1739Asp (NM_001407454.1, NM_001407455.1, NM_001407456.1 and 1 more transcripts); c.5549_5550delinsAT, p.Val1850Asp (NM_001407446.1); c.5519_5520delinsAT, p.Val1840Asp (NM_001407447.1, NM_001407448.1, NM_001407449.1 and 1 more transcripts); c.5435_5436delinsAT, p.Val1812Asp (NM_001407452.1); c.4985_4986delinsAT, p.Val1662Asp (NM_001354905.2); c.4616_4617delinsAT, p.Val1539Asp (NM_001354906.2, NM_001407470.1); and 11 more; short protein forms V1438D, V1539D, V1662D, V1693D, V1696D, V1721D, V1731D, V1739D.
Identifiers: ClinVar variation 3343773 (VCV003343773.1).
Genomic context (GRCh38, chr5:112,841,059, plus strand): 5'-AGAGAGTTTTCTCAGACAACAAAGATTCAAAGAAACAGAATTTGAAAAATAATTCCAAGG[TC>AT]TTCAATGATAAGCTCCCAAATAATGAAGATAGAGTCAGAGGAAGTTTTGCTTTTGATTCA-3'
Protein context (NP_000029.2, residues 1812-1832): KKQNLKNNSK[Val1822Asp]FNDKLPNNED